The following is an entry in ClinVar:

ClinVar aggregate classification (germline): Uncertain significance (1 of 4 stars; one submission).

gnomAD v4.1: 4 of 1,612,910 alleles (0.00025%); highest among the groups gnomAD compares: Non-Finnish European, 0.00034%; no homozygotes.

Submission:

Labcorp Genetics (formerly Invitae), Labcorp
Classification: Uncertain significance. Last evaluated: 2021-08-05. Review status: criteria provided, single submitter. Criteria: Invitae Variant Classification Sherloc (09022015). Collection method: clinical testing. Allele origin: germline.
Comment: This sequence change replaces arginine with cysteine at codon 52 of the KCNJ13 protein (p.Arg52Cys). The arginine residue is highly conserved and there is a large physicochemical difference between arginine and cysteine. This variant is not present in population databases (ExAC no frequency). This variant has not been reported in the literature in individuals with KCNJ13-related conditions. Algorithms developed to predict the effect of missense changes on protein structure and function (SIFT, PolyPhen-2, Align-GVGD) all suggest that this variant is likely to be disruptive, but these predictions have not been confirmed by published functional studies and their clinical significance is uncertain. In summary, the available evidence is currently insufficient to determine the role of this variant in disease. Therefore, it has been classified as a Variant of Uncertain Significance.

NM_002242.4(KCNJ13):c.154C>T (p.Arg52Cys)

Genes: GIGYF2 (GRB10 interacting GYF protein 2; plus strand), KCNJ13 (potassium inwardly rectifying channel subfamily J member 13; minus strand). Cytogenetic location: 2q37.1.
Variant type: single nucleotide variant.
Coding change: c.154C>T on transcript NM_002242.4 (MANE Select); coding-DNA position 154, C replaced by T.
Protein change: p.Arg52Cys; replaces arginine 52 with cysteine.
Molecular consequence: missense variant. On other transcripts: intron variant (5).
Genome position (GRCh38, 1-based): chr2:232,771,209, G>A on the plus strand (C>T on the coding strand, the complement: KCNJ13 is on the minus strand). VCF-style: chr2-232771209-G-A. GRCh37 (hg19) VCF-style: chr2-233635919-G-A.
Other names: c.154C>T, p.Arg52Cys (NM_001172416.1); c.532+9773G>A (NM_001103146.3, NM_015575.4, NM_001103148.2); c.533-5203G>A (NM_001103147.2); c.-23-64C>T (NM_001172417.1); short protein forms R52C.
Identifiers: ClinVar variation 1403154 (VCV001403154.8), dbSNP rs2106339619, ClinGen allele CA351014075.